The following is an entry in ClinVar:

NM_032119.4(ADGRV1):c.11293A>G (p.Ile3765Val)

Gene: ADGRV1 (adhesion G protein-coupled receptor V1; plus strand). Cytogenetic location: 5q14.3.
Variant type: single nucleotide variant.
Coding change: c.11293A>G on transcript NM_032119.4 (MANE Select); coding-DNA position 11293, A replaced by G.
Protein change: p.Ile3765Val; replaces isoleucine 3765 with valine.
Molecular consequence: missense variant. On other transcripts: non-coding transcript variant (1).
Genome position (GRCh38, 1-based): chr5:90,753,745, A>G. VCF-style: chr5-90753745-A-G. GRCh37 (hg19) VCF-style: chr5-90049562-A-G.
Other names: short protein forms I3765V.
Identifiers: ClinVar variation 3391579 (VCV003391579.2).

ClinVar aggregate classification (germline): Uncertain significance. Review status: criteria provided, multiple submitters, no conflicts (2 of 4 stars). 2 submissions from 2 submitters: Uncertain significance (2). Last evaluated 2024-06-18.

Submissions (2):

GeneDx
Classification: Uncertain significance. Last evaluated: 2024-06-18. Review status: criteria provided, single submitter. Criteria: GeneDx Variant Classification Process June 2021. Collection method: clinical testing. Allele origin: germline. Affected: yes.
Comment: Not observed at significant frequency in large population cohorts (gnomAD); In silico analysis indicates that this missense variant does not alter protein structure/function; Has not been previously published as pathogenic or benign to our knowledge

Blueprint Genetics
Classification: Uncertain significance. Last evaluated: 2024-05-31. Review status: criteria provided, single submitter. Criteria: ACMG Guidelines, 2015. Collection method: clinical testing. Allele origin: germline.